The following continues an entry in ClinVar:

NM_032043.3(BRIP1):c.256TGT[2] (p.Cys88del)

Gene: BRIP1. ClinVar aggregate classification (germline): Uncertain significance. Uncertain significance (10).

Submissions 9 to 13 of 13:

St. Jude Molecular Pathology, St. Jude Children's Research Hospital
Classification: Uncertain significance for Familial cancer of breast. Last evaluated: 2022-10-05. Review status: criteria provided, single submitter. Criteria: St. Jude Assertion Criteria 2020. Collection method: clinical testing. Allele origin: germline.
Comment: The BRIP1 c.262_264del (p.Cys88del) change has a maximum subpopulation frequency 0.012% in gnomAD v2.1.1. The change results in the deletion of a single cysteine residue in a region without a known function at the N-terminal end of the BRIP1 gene. This variant has been reported in an individual with breast cancer (PMID: 26976419), as well as in individuals affected with pancreatic cancer and prostate cancer (PMID: 28767289, 31214711). To our knowledge, this variant has not been reported in individuals with ovarian cancer or Fanconi anemia. In summary, the evidence currently available is insufficient to determine the clinical significance of this variant. It has therefore been classified as of uncertain significance.

Department of Pathology and Laboratory Medicine, Sinai Health System
Classification: Uncertain significance for Familial cancer of breast. Last evaluated: 2018-04-11. Review status: criteria provided, single submitter. Criteria: ACMG Guidelines, 2015. Collection method: clinical testing. Allele origin: germline. Affected: yes.

Leiden Open Variation Database
Classification: Uncertain significance. Last evaluated: 2019-08-13. Review status: no assertion criteria provided. Collection method: curation. Allele origin: germline. Affected: yes. Not counted in ClinVar's aggregate classification.
Comment: Curator: Arleen D. Auerbach. Submitter to LOVD: Yukihide Momozawa.

Department of Pathology and Laboratory Medicine, Sinai Health System
Classification: Uncertain significance for Malignant tumor of breast. Review status: no assertion criteria provided. Collection method: clinical testing. Allele origin: unknown. Affected: yes. Observed: 1 variant allele. Study: The Canadian Open Genetics Repository (COGR). Not counted in ClinVar's aggregate classification.
Comment: The BRIP1 p.Cys88del variant was identified in 1 of 976 proband chromosomes (frequency: 0.001) from individuals or families with stage I to III breast cancer (Tung 2016). The variant was also identified in the following databases: dbSNP (ID: rs587781388) as â€šÃ„ÃºWith Uncertain significance alleleâ€šÃ„Ã¹, ClinVar (6x as uncertain significance by Ambry Genetics, GeneDx, Invitae, Color Genomics, Laboratory Corporation of America), and Cosmic (reported 1x as confirmed somatic Carcinoma in Endometrium). The variant was not identified in MutDB, or the Zhejiang University Database. The variant was identified in control databases in 5 of 246232 chromosomes at a frequency of 0.00002 (Genome Aggregation Database Feb 27, 2017). It was observed in the following populations: African in 2 of 15304 chromosomes (freq: 0.00013), South Asian in 1 of 30782 chromosomes (freq: 0.000032), European (Non-Finnish) in 2 of 111694 chromosomes (freq: 0.000018); it was not observed in the Ashkenazi Jewish, East Asian, Finnish, Latino, and other populations. The c.262_264del variant is an in-frame deletion resulting in the removal of a cysteine (cys) residue at codon 88; the impact of this alteration on BRIP1 protein function is not known. The variant occurs outside of the splicing consensus sequence and in silico or computational prediction software programs (SpliceSiteFinder, MaxEntScan, NNSPLICE, GeneSplicer, HumanSpliceFinder) do not predict a difference in splicing. In summary, based on the above information the clinical significance of this variant cannot be determined with certainty at this time. This variant is classified as a variant of uncertain significance.

Ambry Genetics
Classification: Uncertain significance for Hereditary cancer-predisposing syndrome. Last evaluated: 2012-12-20. Review status: flagged submission. Criteria: Ambry Autosomal Dominant and X-Linked criteria (10/2015). Collection method: clinical testing. Allele origin: germline. Observed: 1 variant allele. Not counted in ClinVar's aggregate classification.
Comment: There is insufficient or conflicting evidence for classification of this alteration.
ClinVar note: Reason: This record appears to be redundant with a more recent record from the same submitter.
ClinVar note: Notes: SCV000183974 appears to be redundant with SCV000275369.

Literature cited by the submitters: PubMed 26976419 (cited by 6 submitters); PubMed 28767289 (cited by 5 submitters); PubMed 31214711 (cited by 6 submitters); PubMed 36243179 (cited by Women's Health and Genetics/Laboratory Corporation of America, LabCorp and Quest Diagnostics Nichols Institute San Juan Capistrano); PubMed 32659497 (cited by Quest Diagnostics Nichols Institute San Juan Capistrano).